The following is an entry in ClinVar:

NM_024548.4(CEP97):c.641T>C (p.Ile214Thr)

Gene: CEP97 (centrosomal protein 97; plus strand). Cytogenetic location: 3q12.3.
Variant type: single nucleotide variant.
Coding change: c.641T>C on transcript NM_024548.4 (MANE Select); coding-DNA position 641, T replaced by C.
Protein change: p.Ile214Thr; replaces isoleucine 214 with threonine.
Molecular consequence: missense variant.
Genome position (GRCh38, 1-based): chr3:101,732,567, T>C. VCF-style: chr3-101732567-T-C. GRCh37 (hg19) VCF-style: chr3-101451411-T-C.
Other names: c.641T>C, p.Ile214Thr (NM_001303401.2); c.539T>C, p.Ile180Thr (NM_001410784.1, NM_001410785.1); short protein forms I180T, I214T.
Identifiers: ClinVar variation 1956508 (VCV001956508.5), dbSNP rs901516896, ClinGen allele CA79787504.
Genomic context (GRCh38, chr3:101,732,567, plus strand): 5'-TAACTGAATTGGAACAGTTGTCGATTATGAACAATCCTTGTGTGATGGCAACACCATCCA[T>C]CCCAGGATTTGACTATCGGCCGTACATCGTCAGCTGGTGCCTAAACCTCAGAGTCCTAGA-3'
Protein context (NP_078824.2, residues 204-224): NNPCVMATPS[Ile214Thr]PGFDYRPYIV

ClinVar aggregate classification (germline): Uncertain significance (1 of 4 stars; one submission).

Allele frequency attached by ClinVar (database versions not stated): TOPMed below 0.00001.

Submission:

Labcorp Genetics (formerly Invitae), Labcorp
Classification: Uncertain significance. Last evaluated: 2022-11-15. Review status: criteria provided, single submitter. Criteria: Invitae Variant Classification Sherloc (09022015). Collection method: clinical testing. Allele origin: germline.
Comment: Advanced modeling of protein sequence and biophysical properties (such as structural, functional, and spatial information, amino acid conservation, physicochemical variation, residue mobility, and thermodynamic stability) performed at Invitae indicates that this missense variant is not expected to disrupt CEP97 protein function. In summary, the available evidence is currently insufficient to determine the role of this variant in disease. Therefore, it has been classified as a Variant of Uncertain Significance. This variant is not present in population databases (gnomAD no frequency). This variant has not been reported in the literature in individuals affected with CEP97-related conditions. This sequence change replaces isoleucine, which is neutral and non-polar, with threonine, which is neutral and polar, at codon 214 of the CEP97 protein (p.Ile214Thr).